The following is an entry in ClinVar:

NM_174916.3(UBR1):c.3998-7_3998-5del

Gene: UBR1 (ubiquitin protein ligase E3 component n-recognin 1; minus strand). Cytogenetic location: 15q15.2.
Variant type: Deletion.
Coding change: c.3998-7_3998-5del on transcript NM_174916.3 (MANE Select); 7 bases into the intron before coding-DNA position 3998 through 5 bases into the intron before coding-DNA position 3998, 3 bases deleted (CTT; older notation c.3998-7_3998-5delCTT).
Molecular consequence: intron variant.
Genome position (GRCh38, 1-based): chr15:42,984,947-42,984,949, AAG deleted on the plus strand (CTT on the coding strand, the reverse complement: UBR1 is on the minus strand); deleting any 3 consecutive bases within chr15:42,984,947-42,984,951 gives the same sequence; the c. name uses the placement nearest the transcript's 3' end. VCF-style (leftmost placement, unchanged base first): chr15-42984946-AAAG-A. GRCh37 (hg19) VCF-style: chr15-43277144-AAAG-A.
Identifiers: ClinVar variation 2049982 (VCV002049982.32), dbSNP rs762731645, ClinGen allele CA7518018.

ClinVar aggregate classification (germline): Conflicting classifications of pathogenicity. Review status: criteria provided, conflicting classifications (1 of 4 stars). 2 submissions from 2 submitters: Uncertain significance (1); Likely benign (1). Last evaluated 2025-12-23.

Submissions (2):

Labcorp Genetics (formerly Invitae), Labcorp
Classification: Likely benign. Last evaluated: 2025-12-23. Review status: criteria provided, single submitter. Criteria: Invitae Variant Classification Sherloc (09022015). Collection method: clinical testing. Allele origin: germline.

CeGaT Center for Human Genetics Tuebingen
Classification: Uncertain significance. Last evaluated: 2023-02-01. Review status: criteria provided, single submitter. Criteria: CeGaT Center For Human Genetics Tuebingen Variant Classification Criteria Version 2. Collection method: clinical testing. Allele origin: germline. Affected: yes. Observed: 1 variant allele.
Comment: UBR1: PM2, BP4